The following is an entry in ClinVar:

ClinVar aggregate classification (germline): Likely pathogenic. Review status: criteria provided, single submitter (1 of 4 stars). 2 submissions from 2 submitters: Likely pathogenic (1). 1 of the submissions does not count toward it. Last evaluated 2024-09-28.

Conditions:
Familial thoracic aortic aneurysm and aortic dissection (TAAD). Also called: Thoracic aortic aneurysms and dissections. Identifiers: Orphanet 91387, MedGen C4707243, MONDO:0019625.
Marfan syndrome (MFS). Also called: Marfan syndrome type 1; Marfan syndrome, classic; Marfan's syndrome; FBN1-Related Marfan Syndrome; MARFAN SYNDROME, TYPE I. Identifiers: Orphanet 284963, Orphanet 558, MedGen C0024796, MONDO:0007947, OMIM 154700.

Submissions (2):

Labcorp Genetics (formerly Invitae), Labcorp
Classification: Likely pathogenic for Marfan syndrome; Familial thoracic aortic aneurysm and aortic dissection. Last evaluated: 2024-09-28. Review status: criteria provided, single submitter. Criteria: Invitae Variant Classification Sherloc (09022015). Collection method: clinical testing. Allele origin: germline.
Comment: This sequence change replaces cysteine, which is neutral and slightly polar, with tryptophan, which is neutral and slightly polar, at codon 2029 of the FBN1 protein (p.Cys2029Trp). This variant is not present in population databases (gnomAD no frequency). This missense change has been observed in individual(s) with clinical features of Marfan syndrome (internal data). ClinVar contains an entry for this variant (Variation ID: 549330). Invitae Evidence Modeling of protein sequence and biophysical properties (such as structural, functional, and spatial information, amino acid conservation, physicochemical variation, residue mobility, and thermodynamic stability) indicates that this missense variant is expected to disrupt FBN1 protein function with a positive predictive value of 95%. This variant affects a cysteine residue in the EGF-like, TGFBP or hybrid motif domains of FBN1. Cysteine residues are believed to be involved in intramolecular disulfide bridges and have been shown to be important for FBN1 protein structure (PMID: 16905551, 19349279). In addition, missense substitutions affecting cysteine residues within these domains are significantly overrepresented among patients with Marfan syndrome (PMID: 16571647, 17701892). This variant disrupts the p.Cys2029 amino acid residue in FBN1. Other variant(s) that disrupt this residue have been observed in individuals with FBN1-related conditions (PMID: 33910934), which suggests that this may be a clinically significant amino acid residue. In summary, the currently available evidence indicates that the variant is pathogenic, but additional data are needed to prove that conclusively. Therefore, this variant has been classified as Likely Pathogenic.

Center for Medical Genetics Ghent, University of Ghent
Classification: Likely pathogenic for Marfan syndrome. Last evaluated: 2017-11-07. Review status: no assertion criteria provided. Collection method: clinical testing. Allele origin: germline. Affected: yes. Not counted in ClinVar's aggregate classification.

Literature cited by the submitters: PubMed 16905551 (cited by Labcorp Genetics (formerly Invitae), Labcorp); PubMed 19349279 (cited by Labcorp Genetics (formerly Invitae), Labcorp); PubMed 16571647 (cited by Labcorp Genetics (formerly Invitae), Labcorp); PubMed 17701892 (cited by Labcorp Genetics (formerly Invitae), Labcorp); PubMed 33910934 (cited by Labcorp Genetics (formerly Invitae), Labcorp).

NM_000138.5(FBN1):c.6087C>G (p.Cys2029Trp)

Gene: FBN1 (fibrillin 1; minus strand). Cytogenetic location: 15q21.1.
Variant type: single nucleotide variant.
Coding change: c.6087C>G on transcript NM_000138.5 (MANE Select); coding-DNA position 6087, C replaced by G.
Protein change: p.Cys2029Trp; replaces cysteine 2029 with tryptophan.
Molecular consequence: missense variant.
Genome position (GRCh38, 1-based): chr15:48,441,797, G>C on the plus strand (C>G on the coding strand, the complement: FBN1 is on the minus strand). VCF-style: chr15-48441797-G-C. GRCh37 (hg19) VCF-style: chr15-48733994-G-C.
Other names: short protein forms C2029W.
Identifiers: ClinVar variation 549330 (VCV000549330.3), dbSNP rs1555395475, ClinGen allele CA392338392.
Genomic context (GRCh38, chr15:48,441,797, plus strand): 5'-ACTGGAGGACAAGGAAAACCCTTCTGGACACAGACATTTGAAGCTGCCTTCAGTGTTACT[G>C]CATGTGCCCAGGGCACAAATTTCTGGCTCTTCGACACACTCATCAATATCTAAAAGAATC-3'
Protein context (NP_000129.3, residues 2019-2039): EEPEICALGT[Cys2029Trp]SNTEGSFKCL